The following is an entry in ClinVar:

ClinVar aggregate classification (germline): Likely pathogenic. Review status: reviewed by expert panel (3 of 4 stars). 5 submissions from 5 submitters: Likely pathogenic (1). 4 of the submissions do not count toward it. Last evaluated 2025-03-27.

Conditions:
RPE65-related recessive retinopathy. Also called: Recessive RPE65 retinopathy. Identifiers: MedGen CN305526, MONDO:0100368.
Leber congenital amaurosis 2 (LCA2). Also called: Autosomal Recessive RPE65-Related Retinal Degeneration; AMAUROSIS CONGENITA OF LEBER II. Identifiers: Orphanet 65, MedGen C1859844, MONDO:0008765, OMIM 204100. Disease mechanism: loss of function.
Retinitis pigmentosa 20 (RP20). Identifiers: Orphanet 791, MedGen C3151086, MONDO:0013425, OMIM 613794.
Retinitis pigmentosa 87 with choroidal involvement. Identifiers: MedGen C5231465, MONDO:0032873, OMIM 618697.

Allele frequency attached by ClinVar (database versions not stated): gnomAD exomes below 0.00001.
gnomAD v4.1: 3 of 1,613,438 alleles (0.00019%); highest among the groups gnomAD compares: East Asian, 0.0022%; no homozygotes.

Submissions (5):

ClinGen Leber Congenital Amaurosis/early Onset Retinal Dystrophy Variant Curation Expert Panel, ClinGen
Classification: Likely pathogenic for RPE65-related recessive retinopathy. Last evaluated: 2025-03-27. Review status: reviewed by expert panel. Criteria: ClinGen LCAeoRD ACMG Specifications RPE65 V1.0.0. Collection method: curation. Allele origin: germline. Inheritance: Autosomal recessive inheritance.
Comment: The NM_000329.3(RPE65):c.1590C>A (p.Phe530Leu) variant is a missense variant in RPE65 causing a substitution of phenylalanine with leucine at position p.530. This variant is absent from gnomAD v4.1.0 (PM2_Supporting). The computational predictor REVEL gives a score of 0.888, which is above the ClinGen LCA / eoRD VCEP threshold of ≥0.773 and predicts a damaging effect on RPE65 function (PP3_Moderate). This variant has been reported in at least 2 probands with early-onset severe retinal dystrophy who were compound heterozygous with the c.200T>G, p.L67R variant confirmed in trans (1 pt) or the c.118G>A p.Gly40Ser variant confirmed in trans (1 pt) (PMIDs: 36729443, 26047050), which were previously classified as pathogenic by the ClinGen LCA / eoRD VCEP (2 total points, PM3_Strong). This variant has also been reported in the compound heterozygous state with the p.Ala507Val and the c.335G>A p.Cys112Tyr, but were not counted for additional points to avoid circularity. At least one proband harboring this variant exhibits a phenotype including severely decreased rod ERG responses (0.5), symptomatic onset between birth and age five years (1), evidence of cone involvement on ERG (1), white/yellow dots on color photography in the context of severe retinal dysfunction (2), previous 100+ retinal dystrophy gene panel testing that did not provide an alternative explanation for visual impairment (2), which together are specific for RPE65-related recessive retinopathy (6.5 points, PMID: 33952291, PP4). In summary, this variant meets the criteria to be classified as likely pathogenic for RPE65-related recessive retinopathy based on the ACMG/AMP criteria applied, as specified by the ClinGen LCA / eoRD VCEP: PM2_Supporting, PP3_Moderate, PM3_Strong, PP4 (VCEP specifications version 1.0.0; date of approval 09/21/2023).

Myriad Genetics, Inc.
Classification: Likely pathogenic for RPE65-related recessive retinopathy. Last evaluated: 2026-04-24. Review status: criteria provided, single submitter. Criteria: Myriad Autosomal Dominant, Autosomal Recessive and X-Linked Classification Criteria (2023). Collection method: clinical testing. Allele origin: unknown. Not counted in ClinVar's aggregate classification.
Comment: NM_000329.2(RPE65):c.1590C>A(F530L) is a missense variant classified as likely pathogenic in the context of inherited retinal dystrophy, RPE65-related. F530L has been observed in cases with relevant disease (PMID: 25383945, 33952291, 36729443, 37547722, 26047050). Relevant functional assessments of this variant are not available in the literature. F530L has not been observed in referenced population frequency databases. In summary, NM_000329.2(RPE65):c.1590C>A(F530L) is a missense variant that has been observed more frequently in cases with the relevant disease than in healthy populations. Please note: this variant was assessed in the context of healthy population screening.

Labcorp Genetics (formerly Invitae), Labcorp
Classification: Pathogenic for Leber congenital amaurosis 2; Retinitis pigmentosa 20. Last evaluated: 2026-01-28. Review status: criteria provided, single submitter. Criteria: Invitae Variant Classification Sherloc (09022015). Collection method: clinical testing. Allele origin: germline. Not counted in ClinVar's aggregate classification.
Comment: This sequence change replaces phenylalanine, which is neutral and non-polar, with leucine, which is neutral and non-polar, at codon 530 of the RPE65 protein (p.Phe530Leu). This variant is not present in population databases (gnomAD no frequency). This missense change has been observed in individual(s) with Leber congenital amaurosis and/or retinitis pigmentosa (PMID: 25383945, 26047050, 33952291). In at least one individual the data is consistent with being in trans (on the opposite chromosome) from a pathogenic variant. ClinVar contains an entry for this variant (Variation ID: 1470027). Invitae Evidence Modeling of protein sequence and biophysical properties (such as structural, functional, and spatial information, amino acid conservation, physicochemical variation, residue mobility, and thermodynamic stability) indicates that this missense variant is expected to disrupt RPE65 protein function with a positive predictive value of 80%. For these reasons, this variant has been classified as Pathogenic.

Baylor Genetics
Classification: Pathogenic for Leber congenital amaurosis 2. Last evaluated: 2024-03-15. Review status: criteria provided, single submitter. Criteria: ACMG Guidelines, 2015. Collection method: clinical testing. Allele origin: unknown. Not counted in ClinVar's aggregate classification.

Juno Genomics, Hangzhou Juno Genomics, Inc
Classification: Pathogenic for Retinitis pigmentosa 87 with choroidal involvement; Leber congenital amaurosis 2; Retinitis pigmentosa 20. Review status: criteria provided, single submitter. Criteria: ACMG Guidelines, 2015. Collection method: clinical testing. Allele origin: germline. Not counted in ClinVar's aggregate classification.
Comment: Absent from controls (or at extremely low frequency if recessive) in Genome Aggregation Database.;Multiple lines of computational evidence support a deleterious effect on the gene or gene product.;For recessive disorders, detected in trans with a pathogenic variant.;Patient's phenotype or family history is highly specific for a disease with a single genetic etiology.

Literature cited by the submitters: PubMed 25383945 (cited by Myriad Genetics, Inc. and Labcorp Genetics (formerly Invitae), Labcorp); PubMed 26047050 (cited by Myriad Genetics, Inc. and Labcorp Genetics (formerly Invitae), Labcorp); PubMed 33952291 (cited by Myriad Genetics, Inc. and Labcorp Genetics (formerly Invitae), Labcorp); PubMed 36729443 (cited by Myriad Genetics, Inc.); PubMed 37547722 (cited by Myriad Genetics, Inc.).

NM_000329.3(RPE65):c.1590C>A (p.Phe530Leu)

Gene: RPE65 (retinoid isomerohydrolase RPE65; minus strand). Cytogenetic location: 1p31.3.
Variant type: single nucleotide variant.
Coding change: c.1590C>A on transcript NM_000329.3 (MANE Select); coding-DNA position 1590, C replaced by A.
Protein change: p.Phe530Leu; replaces phenylalanine 530 with leucine.
Molecular consequence: missense variant.
Genome position (GRCh38, 1-based): chr1:68,429,788, G>T on the plus strand (C>A on the coding strand, the complement: RPE65 is on the minus strand). VCF-style: chr1-68429788-G-T. GRCh37 (hg19) VCF-style: chr1-68895471-G-T.
Other names: NM_000329.3(RPE65):c.1590C>A; p.Phe530Leu; short protein forms F530L.
Identifiers: ClinVar variation 1470027 (VCV001470027.13), dbSNP rs2100804954, ClinGen allele CA340740550.